The following is an entry in ClinVar:

ClinVar aggregate classification (germline): Benign (1 of 4 stars; one submission).

Conditions:
Cleidocranial dysostosis (CLCD1). Also called: cleidocranial dysplasia 1; Marie-Sainton disease; Cleidocranial Dysplasia Spectrum Disorder. Identifiers: Orphanet 1452, MedGen C0008928, MONDO:0007340, OMIM 119600.

Allele frequency attached by ClinVar (database versions not stated): 1000 Genomes Project 0.00060; 1000 Genomes Project 30x 0.00094; TOPMed 0.00104; gnomAD exomes 0.00137.
gnomAD v4.1: 492 of 398,456 alleles (0.12%); highest among the groups gnomAD compares: Non-Finnish European, 0.18%; no homozygotes.

Submission:

Illumina Laboratory Services, Illumina
Classification: Benign for Cleidocranial dysostosis. Last evaluated: 2018-01-12. Review status: criteria provided, single submitter. Criteria: ICSL Variant Classification Criteria 13 December 2019. Collection method: clinical testing. Allele origin: germline.
Comment: This variant was observed in the ICSL laboratory as part of a predisposition screen in an ostensibly healthy population. It had not been previously curated by ICSL or reported in the Human Gene Mutation Database (HGMD: prior to June 1st, 2018), and was therefore a candidate for classification through an automated scoring system. Utilizing variant allele frequency, disease prevalence and penetrance estimates, and inheritance mode, an automated score was calculated to assess if this variant is too frequent to cause the disease. Based on the score and internal cut-off values, a variant classified as benign is not then subjected to further curation. The score for this variant resulted in a classification of benign for this disease.

NM_001024630.4(RUNX2):c.*2001G>A

Gene: RUNX2 (RUNX family transcription factor 2; plus strand). Cytogenetic location: 6p21.1.
Variant type: single nucleotide variant.
Coding change: c.*2001G>A on transcript NM_001024630.4 (MANE Select); 2001 bases downstream of the stop codon, G replaced by A.
Molecular consequence: 3 prime UTR variant.
Genome position (GRCh38, 1-based): chr6:45,549,306, G>A. VCF-style: chr6-45549306-G-A. GRCh37 (hg19) VCF-style: chr6-45517043-G-A.
Other names: c.*2001G>A (NM_001015051.4, NM_001278478.2, NM_001369405.1).
Identifiers: ClinVar variation 357121 (VCV000357121.5), dbSNP rs150354057, ClinGen allele CA10624177.